The following is an entry in ClinVar:

ClinVar aggregate classification (germline): Uncertain significance (1 of 4 stars; one submission).

gnomAD v4.1: 4 of 1,612,046 alleles (0.00025%); highest among the groups gnomAD compares: Non-Finnish European, 0.00034%; no homozygotes.

Submission:

GeneDx
Classification: Uncertain significance. Last evaluated: 2024-08-13. Review status: criteria provided, single submitter. Criteria: GeneDx Variant Classification Process June 2021. Collection method: clinical testing. Allele origin: germline. Affected: yes.
Comment: Not observed at significant frequency in large population cohorts (gnomAD); Missense variant in a gene in which most reported pathogenic variants are truncating/loss of function; Has not been previously published as pathogenic or benign to our knowledge

NM_001267550.2(TTN):c.54324T>G (p.Ser18108Arg)

Genes: TTN (titin; minus strand), TTN-AS1 (TTN antisense RNA 1; plus strand). Cytogenetic location: 2q31.2.
Variant type: single nucleotide variant.
Coding change: c.54324T>G on transcript NM_001267550.2 (MANE Select); coding-DNA position 54324, T replaced by G.
Protein change: p.Ser18108Arg; replaces serine 18108 with arginine.
Molecular consequence: missense variant. On other transcripts: non-coding transcript variant (1).
Genome position (GRCh38, 1-based): chr2:178,604,765, A>C on the plus strand (T>G on the coding strand, the complement: TTN is on the minus strand). VCF-style: chr2-178604765-A-C. GRCh37 (hg19) VCF-style: chr2-179469492-A-C.
Other names: c.49401T>G, p.Ser16467Arg (NM_001256850.1); c.27129T>G, p.Ser9043Arg (NM_003319.4); c.46620T>G, p.Ser15540Arg (NM_133378.4); c.27504T>G, p.Ser9168Arg (NM_133432.3); c.27705T>G, p.Ser9235Arg (NM_133437.4); short protein forms S18108R, S9043R, S9235R, S15540R, S9168R, S16467R.
Identifiers: ClinVar variation 3730993 (VCV003730993.1).